The following is an entry in ClinVar:

NM_181882.3(PRX):c.2912T>G (p.Val971Gly)

Gene: PRX (periaxin; minus strand). Cytogenetic location: 19q13.2.
Variant type: single nucleotide variant.
Coding change: c.2912T>G on transcript NM_181882.3 (MANE Select); coding-DNA position 2912, T replaced by G.
Protein change: p.Val971Gly; replaces valine 971 with glycine.
Molecular consequence: missense variant. On other transcripts: 3 prime UTR variant (1).
Genome position (GRCh38, 1-based): chr19:40,395,440, A>C on the plus strand (T>G on the coding strand, the complement: PRX is on the minus strand). VCF-style: chr19-40395440-A-C. GRCh37 (hg19) VCF-style: chr19-40901347-A-C.
Other names: c.3197T>G, p.Val1066Gly (NM_001411127.1); c.*3117T>G (NM_020956.2); short protein forms V1066G, V971G.
Identifiers: ClinVar variation 1797600 (VCV001797600.2), dbSNP rs1599652082, ClinGen allele CA405895331.

ClinVar aggregate classification (germline): Uncertain significance (1 of 4 stars; one submission).

Conditions:
Inborn genetic diseases. Identifiers: MedGen C0950123, MeSH D030342.

Submission:

Ambry Genetics
Classification: Uncertain significance for Inborn genetic diseases. Last evaluated: 2021-08-04. Review status: criteria provided, single submitter. Criteria: Ambry Variant Classification Scheme 2023. Collection method: clinical testing. Allele origin: germline.
Comment: The p.V971G variant (also known as c.2912T>G), located in coding exon 4 of the PRX gene, results from a T to G substitution at nucleotide position 2912. The valine at codon 971 is replaced by glycine, an amino acid with dissimilar properties. This amino acid position is conserved. In addition, this alteration is predicted to be tolerated by in silico analysis. Since supporting evidence is limited at this time, the clinical significance of this alteration remains unclear.